The following is an entry in ClinVar:

ClinVar aggregate classification (germline): Pathogenic (1 of 4 stars; one submission).

Conditions:
Polycystic kidney disease 4 (PKD4). Also called: POLYCYSTIC KIDNEY AND HEPATIC DISEASE 1; POLYCYSTIC KIDNEY DISEASE, INFANTILE, TYPE I; POLYCYSTIC KIDNEY DISEASE 4 WITH OR WITHOUT POLYCYSTIC LIVER DISEASE; PKD3; Autosomal Recessive Polycystic Kidney Disease – PKHD1. Identifiers: MedGen C4540575, MONDO:0033004, OMIM 263200.

Submission:

Myriad Genetics, Inc.
Classification: Pathogenic for Polycystic kidney disease 4. Last evaluated: 2025-03-01. Review status: criteria provided, single submitter. Criteria: Myriad Autosomal Dominant, Autosomal Recessive and X-Linked Classification Criteria (2023). Collection method: clinical testing. Allele origin: unknown.
Comment: NM_138694.3(PKHD1):c.5204delG(R1735Kfs*7) is expected to be pathogenic in the context of autosomal recessive polycystic kidney disease, PKHD1-related. This variant is predicted to lead to an abnormal or absent protein product due to the creation of a premature termination codon in PKHD1, a gene where loss-of-function variants are known to be pathogenic. Please note: this variant was assessed in the context of healthy population screening.

NM_138694.4(PKHD1):c.5204del (p.Arg1735fs)

Genes: PKHD1 (PKHD1 ciliary IPT domain containing fibrocystin/polyductin; minus strand), LOC126859690 (MED14-independent group 3 enhancer GRCh37_chr6:51888848-51890047; plus strand). Cytogenetic location: 6p12.2.
Variant type: Deletion.
Coding change: c.5204del on transcript NM_138694.4 (MANE Select); coding-DNA position 5204, one base deleted (G; older notation c.5204delG).
Protein change: p.Arg1735fs; shifts the reading frame from arginine 1735.
Molecular consequence: frameshift variant.
Genome position (GRCh38, 1-based): chr6:52,024,606, C deleted on the plus strand (G on the coding strand, the reverse complement: PKHD1 is on the minus strand). VCF-style (leftmost placement, unchanged base first): chr6-52024605-TC-T. GRCh37 (hg19) VCF-style: chr6-51889403-TC-T.
Other names: c.5204del, p.Arg1735fs (NM_170724.3); short protein forms R1735fs.
Identifiers: ClinVar variation 5014156 (VCV005014156.1).